The following is an entry in ClinVar:

ClinVar aggregate classification (germline): Benign (1 of 4 stars; one submission).

Allele frequency attached by ClinVar (database versions not stated): TOPMed 0.10368; 1000 Genomes Project 30x 0.10618; 1000 Genomes Project 0.11122; gnomAD 0.11294 and 0.11595.

Submission:

GeneDx
Classification: Benign. Last evaluated: 2018-06-14. Review status: criteria provided, single submitter. Criteria: GeneDx Variant Classification (06012015). Collection method: clinical testing. Allele origin: germline. Affected: yes.
Comment: This variant is considered likely benign or benign based on one or more of the following criteria: it is a conservative change, it occurs at a poorly conserved position in the protein, it is predicted to be benign by multiple in silico algorithms, and/or has population frequency not consistent with disease.

NM_080680.3(COL11A2):c.799-278T>C

Gene: COL11A2 (collagen type XI alpha 2 chain; minus strand). Cytogenetic location: 6p21.32.
Variant type: single nucleotide variant.
Coding change: c.799-278T>C on transcript NM_080680.3 (MANE Select); 278 bases into the intron before coding-DNA position 799, T replaced by C.
Molecular consequence: intron variant.
Genome position (GRCh38, 1-based): chr6:33,186,056, A>G on the plus strand (T>C on the coding strand, the complement: COL11A2 is on the minus strand). VCF-style: chr6-33186056-A-G. GRCh37 (hg19) VCF-style: chr6-33153833-A-G.
Other names: c.798+571T>C (NM_080679.3, NM_080681.3).
Identifiers: ClinVar variation 669617 (VCV000669617.1), dbSNP rs3129200, ClinGen allele CA137053502.